The following is an entry in ClinVar:

ClinVar aggregate classification (germline): Pathogenic (1 of 4 stars; one submission).

Submission:

GeneDx
Classification: Pathogenic. Last evaluated: 2026-10-14. Review status: criteria provided, single submitter. Criteria: GeneDx Variant Classification Process June 2021. Collection method: clinical testing. Allele origin: germline.
Comment: Frameshift variant predicted to result in protein truncation or nonsense mediated decay in a gene for which loss of function is a known mechanism of disease; Not observed at significant frequency in large population cohorts (gnomAD); Has not been previously published as pathogenic or benign to our knowledge

NM_002332.3(LRP1):c.9954del (p.Thr3319fs)

Gene: LRP1 (LDL receptor related protein 1; plus strand). Cytogenetic location: 12q13.3.
Variant type: Deletion.
Coding change: c.9954del on transcript NM_002332.3 (MANE Select); coding-DNA position 9954, one base deleted (C; older notation c.9954delC).
Protein change: p.Thr3319fs; shifts the reading frame from threonine 3319.
Molecular consequence: frameshift variant.
Genome position (GRCh38, 1-based): chr12:57,199,965, C deleted; the last of 4 consecutive C bases (chr12:57,199,962-57,199,965); deleting any one gives the same sequence. VCF-style (leftmost placement, unchanged base first): chr12-57199961-GC-G. GRCh37 (hg19) VCF-style: chr12-57593744-GC-G.
Other names: short protein forms T3319fs.
Identifiers: ClinVar variation 4976669 (VCV004976669.2).